The following is an entry in ClinVar:

NM_032043.3(BRIP1):c.537A>G (p.Glu179=)

Gene: BRIP1 (BRCA1 interacting DNA helicase 1; minus strand). Cytogenetic location: 17q23.2.
Variant type: single nucleotide variant.
Coding change: c.537A>G on transcript NM_032043.3 (MANE Select); coding-DNA position 537, A replaced by G.
Protein change: p.Glu179=; no amino-acid change (glutamic acid 179 retained).
Molecular consequence: synonymous variant.
Genome position (GRCh38, 1-based): chr17:61,847,191, T>C on the plus strand (A>G on the coding strand, the complement: BRIP1 is on the minus strand). VCF-style: chr17-61847191-T-C. GRCh37 (hg19) VCF-style: chr17-59924552-T-C.
Identifiers: ClinVar variation 185619 (VCV000185619.26), dbSNP rs775509896, ClinGen allele CA192432.

ClinVar aggregate classification (germline): Conflicting classifications of pathogenicity. Review status: criteria provided, conflicting classifications (1 of 4 stars). 7 submissions from 7 submitters: Uncertain significance (1); Benign (1); Likely benign (4). 1 of the submissions does not count toward it. Last evaluated 2025-11-21.

Conditions:
BRIP1-related disorder. Also called: BRIP1-related condition; BRIP1-related disorders. Identifiers: MedGen CN239206.
Familial cancer of breast. Also called: Hereditary breast cancer; BREAST CANCER, FAMILIAL; hereditary breast carcinoma. Identifiers: Orphanet 227535, MedGen C0346153, MONDO:0016419, OMIM 114480. Disease mechanism: loss of function.
Fanconi anemia complementation group J. Also called: BRIP1-Related Fanconi Anemia. Identifiers: Orphanet 84, MedGen C1836860, MONDO:0012187, OMIM 609054.
Hereditary cancer-predisposing syndrome. Also called: Neoplastic Syndromes, Hereditary; Tumor predisposition; Hereditary neoplastic syndrome; Hereditary Cancer Syndrome. Identifiers: Orphanet 140162, MedGen C0027672, MeSH D009386, MONDO:0015356.

Allele frequency attached by ClinVar (database versions not stated): gnomAD exomes below 0.00001 and 0.00001; TOPMed below 0.00001; ExAC 0.00002.
gnomAD v4.1: 4 of 1,613,776 alleles (0.00025%); highest among the groups gnomAD compares: African/African-American, 0.0013%; no homozygotes.

Submissions (7):

Labcorp Genetics (formerly Invitae), Labcorp
Classification: Likely benign for Familial cancer of breast; Fanconi anemia complementation group J. Last evaluated: 2025-11-21. Review status: criteria provided, single submitter. Criteria: Invitae Variant Classification Sherloc (09022015). Collection method: clinical testing. Allele origin: germline.

PreventionGenetics, part of Exact Sciences
Classification: Likely benign for BRIP1-related condition. Last evaluated: 2025-11-17. Review status: criteria provided, single submitter. Criteria: ACMG Guidelines, 2015. Collection method: clinical testing. Allele origin: germline.
Comment: This variant is classified as likely benign based on ACMG/AMP sequence variant interpretation guidelines (Richards et al. 2015 PMID: 25741868, with internal and published modifications).

Myriad Genetics, Inc.
Classification: Benign for Familial cancer of breast. Last evaluated: 2024-08-21. Review status: criteria provided, single submitter. Criteria: Myriad Autosomal Dominant, Autosomal Recessive and X-Linked Classification Criteria (2023). Collection method: clinical testing. Allele origin: unknown.
Comment: This variant is considered benign. This variant is a silent/synonymous amino acid change and it is not expected to impact splicing.

Color Diagnostics, LLC DBA Color Health
Classification: Likely benign for Hereditary cancer-predisposing syndrome. Last evaluated: 2023-12-05. Review status: criteria provided, single submitter. Criteria: ACMG Guidelines, 2015. Collection method: clinical testing. Allele origin: germline.

GeneDx
Classification: Uncertain significance. Last evaluated: 2017-05-02. Review status: criteria provided, single submitter. Criteria: GeneDx Variant Classification (06012015). Collection method: clinical testing. Allele origin: germline. Affected: yes.
Comment: This variant is denoted BRIP1 c.537A>G at the DNA level. Although this variant is silent at the coding level, preserving a Glutamic Acid at codon 179, it is predicted to cause abnormal splicing. However, in the absence of RNA or functional studies, the actual effect of this variant is unknown. This variant has not, to our knowledge, been published in the literature as pathogenic or benign. BRIP1 c.537A>G was not observed in large population cohorts (NHLBI Exome Sequencing Project, The 1000 Genomes Consortium 2015, Lek 2016). The nucleotide which is altered, an adenine (A) at base 537, is not conserved. Based on currently available information, it is unclear whether BRIP1 c.537A>G is a pathogenic or benign variant. We consider it to be a variant of uncertain significance.

Ambry Genetics
Classification: Likely benign for Hereditary cancer-predisposing syndrome. Last evaluated: 2014-07-23. Review status: criteria provided, single submitter. Criteria: Ambry Variant Classification Scheme 2023. Collection method: clinical testing. Allele origin: germline.

Leiden Open Variation Database
Classification: Uncertain significance. Last evaluated: 2019-08-13. Review status: no assertion criteria provided. Collection method: curation. Allele origin: germline. Affected: yes. Not counted in ClinVar's aggregate classification.
Comment: Curator: Arleen D. Auerbach. Submitter to LOVD: Yukihide Momozawa.

Literature cited by the submitters: PubMed 31214711 (cited by Leiden Open Variation Database).